The following is an entry in ClinVar:

NM_001089.3(ABCA3):c.2354C>A (p.Thr785Lys)

Gene: ABCA3 (ATP binding cassette subfamily A member 3; minus strand). Cytogenetic location: 16p13.3.
Variant type: single nucleotide variant.
Coding change: c.2354C>A on transcript NM_001089.3 (MANE Select); coding-DNA position 2354, C replaced by A.
Protein change: p.Thr785Lys; replaces threonine 785 with lysine.
Molecular consequence: missense variant.
Genome position (GRCh38, 1-based): chr16:2,295,650, G>T on the plus strand (C>A on the coding strand, the complement: ABCA3 is on the minus strand). VCF-style: chr16-2295650-G-T. GRCh37 (hg19) VCF-style: chr16-2345651-G-T.
Other names: short protein forms T785K.
Identifiers: ClinVar variation 635560 (VCV000635560.1), dbSNP rs371756212, ClinGen allele CA7840858.

ClinVar aggregate classification (germline): Uncertain significance (1 of 4 stars; one submission).

Conditions:
Interstitial lung disease due to ABCA3 deficiency. Also called: PULMONARY ALVEOLAR PROTEINOSIS, CONGENITAL, 3. Identifiers: Orphanet 440402, MedGen C1970456, MONDO:0012582, OMIM 610921.

Allele frequency attached by ClinVar (database versions not stated): TOPMed 0.00006.
gnomAD v4.1: 6 of 1,613,940 alleles (0.00037%); highest among the groups gnomAD compares: African/African-American, 0.008%; no homozygotes.

Submission:

Johns Hopkins Genomics, Johns Hopkins University
Classification: Uncertain significance for Interstitial lung disease due to ABCA3 deficiency. Last evaluated: 2019-03-22. Review status: criteria provided, single submitter. Criteria: ACMG Guidelines, 2015. Collection method: clinical testing. Allele origin: germline.
Comment: This ABCA3 variant (rs371756212) is rare (<0.1%) in one population dataset (ExAC: 1/121286 total alleles; 0.0008%; no homozygotes), but absent from another larger dataset. ABCA3 c.2354C>A has not been reported in ClinVar nor the literature, to our knowledge. Two bioinformatic tools queried predict that this substitution would be tolerated, and the threonine residue at this position is not highly evolutionarily conserved across the species assessed. Bioinformatic analysis predicts that this variant would not affect normal exon 18 splicing, although this has not been confirmed experimentally to our knowledge. The clinical significance of c.2354C>A is uncertain at this time.